The following is an entry in ClinVar:

ClinVar aggregate classification (germline): Uncertain significance (1 of 4 stars; one submission).

Submission:

GeneDx
Classification: Uncertain significance. Last evaluated: 2023-10-31. Review status: criteria provided, single submitter. Criteria: GeneDx Variant Classification Process June 2021. Collection method: clinical testing. Allele origin: germline. Affected: yes.
Comment: Not observed at significant frequency in large population cohorts (gnomAD); In silico analysis supports that this missense variant does not alter protein structure/function; Has not been previously published as pathogenic or benign to our knowledge

NM_001330078.2(NRXN1):c.202C>A (p.Leu68Ile)

Gene: NRXN1 (neurexin 1; minus strand). Cytogenetic location: 2p16.3.
Variant type: single nucleotide variant.
Coding change: c.202C>A on transcript NM_001330078.2 (MANE Select); coding-DNA position 202, C replaced by A.
Protein change: p.Leu68Ile; replaces leucine 68 with isoleucine.
Molecular consequence: missense variant.
Genome position (GRCh38, 1-based): chr2:51,028,072, G>T on the plus strand (C>A on the coding strand, the complement: NRXN1 is on the minus strand). VCF-style: chr2-51028072-G-T. GRCh37 (hg19) VCF-style: chr2-51255210-G-T.
Other names: c.202C>A, p.Leu68Ile (NM_001135659.3, NM_001330077.2, NM_001330079.2 and 15 more transcripts); short protein forms L68I.
Identifiers: ClinVar variation 3363637 (VCV003363637.1).